The following is an entry in ClinVar:

ClinVar aggregate classification (germline): Uncertain significance. Review status: criteria provided, multiple submitters, no conflicts (2 of 4 stars). 3 submissions from 3 submitters: Uncertain significance (2). 1 of the submissions does not count toward it. Last evaluated 2024-01-02.

Conditions:
BBS2-related disorder. Also called: BBS2-related condition; BBS2-related disorders. Identifiers: MedGen CN239228.
Bardet-Biedl syndrome (BBS). Identifiers: Orphanet 110, MedGen C0752166, MONDO:0015229.
Retinitis pigmentosa 74 (RP74). Identifiers: Orphanet 791, MedGen C4225281, MONDO:0014692, OMIM 616562.
Bardet-Biedl syndrome 2 (BBS2). Identifiers: Orphanet 110, MedGen C2936863, MONDO:0014432, OMIM 615981.

Allele frequency attached by ClinVar (database versions not stated): ExAC 0.00007; 1000 Genomes Project 30x 0.00016; 1000 Genomes Project 0.00020.
gnomAD v4.1: 57 of 1,613,824 alleles (0.0035%); highest among the groups gnomAD compares: Non-Finnish European, 0.0046%; no homozygotes.

Submissions (3):

Fulgent Genetics
Classification: Uncertain significance for Bardet-Biedl syndrome 2; Retinitis pigmentosa 74. Last evaluated: 2024-01-02. Review status: criteria provided, single submitter. Criteria: ACMG Guidelines, 2015. Collection method: clinical testing. Allele origin: germline.

Labcorp Genetics (formerly Invitae), Labcorp
Classification: Uncertain significance for Bardet-Biedl syndrome. Last evaluated: 2022-03-12. Review status: criteria provided, single submitter. Criteria: Invitae Variant Classification Sherloc (09022015). Collection method: clinical testing. Allele origin: germline.
Comment: This sequence change replaces arginine, which is basic and polar, with histidine, which is basic and polar, at codon 403 of the BBS2 protein (p.Arg403His). This variant is present in population databases (rs192007013, gnomAD 0.01%). This variant has not been reported in the literature in individuals affected with BBS2-related conditions. Algorithms developed to predict the effect of missense changes on protein structure and function (SIFT, PolyPhen-2, Align-GVGD) all suggest that this variant is likely to be tolerated. In summary, the available evidence is currently insufficient to determine the role of this variant in disease. Therefore, it has been classified as a Variant of Uncertain Significance.

PreventionGenetics, part of Exact Sciences
Classification: Uncertain significance for BBS2-related condition. Last evaluated: 2024-07-24. Review status: no assertion criteria provided. Collection method: clinical testing. Allele origin: germline. Not counted in ClinVar's aggregate classification.
Comment: The BBS2 c.1208G>A variant is predicted to result in the amino acid substitution p.Arg403His. To our knowledge, this variant has not been reported in the literature. This variant is reported in 0.0097% of alleles in individuals of European (Non-Finnish) descent in gnomAD. A different missense variant affecting the same amino acid (c.1207C>T, p.Arg403Cys) was reported in the homozygous state in an individual with features of Bardet–Biedl syndrome (Abu-Safieh et al 2012. PubMed ID: 22353939). At this time, the clinical significance of the c.1208G>A (p.Arg403His) variant is uncertain due to the absence of conclusive functional and genetic evidence.

NM_031885.5(BBS2):c.1208G>A (p.Arg403His)

Gene: BBS2 (Bardet-Biedl syndrome 2; minus strand). Cytogenetic location: 16q13.
Variant type: single nucleotide variant.
Coding change: c.1208G>A on transcript NM_031885.5 (MANE Select); coding-DNA position 1208, G replaced by A.
Protein change: p.Arg403His; replaces arginine 403 with histidine.
Molecular consequence: missense variant. On other transcripts: non-coding transcript variant (5).
Genome position (GRCh38, 1-based): chr16:56,501,370, C>T on the plus strand (G>A on the coding strand, the complement: BBS2 is on the minus strand). VCF-style: chr16-56501370-C-T. GRCh37 (hg19) VCF-style: chr16-56535282-C-T.
Other names: c.1208G>A (NM_031885.3); c.1208G>A, p.Arg403His (NM_001377456.1); short protein forms R403H.
Identifiers: ClinVar variation 2189701 (VCV002189701.3), dbSNP rs192007013, ClinGen allele CA8065808.